The following is an entry in ClinVar:

ClinVar aggregate classification (germline): Conflicting classifications of pathogenicity. Review status: criteria provided, conflicting classifications (1 of 4 stars). 2 submissions from 2 submitters: Uncertain significance (1); Benign (1). Last evaluated 2026-04-24.

Conditions:
Heterotopia, periventricular, X-linked dominant (PVNH1). Also called: PERIVENTRICULAR NODULAR HETEROTOPIA 1; X-linked periventricular heterotopia; PERIVENTRICULAR NODULAR HETEROTOPIA 4; HETEROTOPIA, PERIVENTRICULAR, 1. Identifiers: Orphanet 2149, Orphanet 82004, MedGen C1848213, MONDO:0010233, OMIM 300049.
Oto-palato-digital syndrome, type II (OPD2). Also called: Otopalatodigital Syndrome Type 2 (FLNA-OPD2); FACIOPALATOOSSEOUS SYNDROME; OPD II SYNDROME; Otopalatodigital Syndrome, Type II. Identifiers: Orphanet 669, Orphanet 90652, MedGen C1844696, MONDO:0010571, OMIM 304120.
Melnick-Needles syndrome (MNS). Also called: Melnick-Needles Syndrome (FLNA-MNS); MELNICK-NEEDLES OSTEODYSPLASTY; OSTEODYSPLASTY OF MELNICK AND NEEDLES. Identifiers: Orphanet 2484, MedGen C0025237, MONDO:0010650, OMIM 309350.
Frontometaphyseal dysplasia (FMD1). Identifiers: Orphanet 1826, MedGen C0265293, MONDO:0015942.

Allele frequency attached by ClinVar (database versions not stated): gnomAD exomes 0.00002; gnomAD 0.00002; TOPMed 0.00002; ExAC 0.00001.
gnomAD v4.1: 24 of 1,209,779 alleles (0.002%); highest among the groups gnomAD compares: East Asian, 0.0089%; no homozygotes.

Submissions (2):

GeneDx
Classification: Uncertain significance. Last evaluated: 2026-04-24. Review status: criteria provided, single submitter. Criteria: GeneDx Variant Classification Process June 2021. Collection method: clinical testing. Allele origin: germline.
Comment: In silico analysis supports that this missense variant has a deleterious effect on protein structure/function; Has not been previously published as pathogenic or benign to our knowledge

Labcorp Genetics (formerly Invitae), Labcorp
Classification: Benign for Oto-palato-digital syndrome, type II; Heterotopia, periventricular, X-linked dominant; Frontometaphyseal dysplasia; Melnick-Needles syndrome. Last evaluated: 2025-07-30. Review status: criteria provided, single submitter. Criteria: Invitae Variant Classification Sherloc (09022015). Collection method: clinical testing. Allele origin: germline.

NM_001110556.2(FLNA):c.6125C>T (p.Ser2042Leu)

Gene: FLNA (filamin A; minus strand). Cytogenetic location: Xq28.
Variant type: single nucleotide variant.
Coding change: c.6125C>T on transcript NM_001110556.2 (MANE Select); coding-DNA position 6125, C replaced by T.
Protein change: p.Ser2042Leu; replaces serine 2042 with leucine.
Molecular consequence: missense variant.
Genome position (GRCh38, 1-based): chrX:154,353,102, G>A on the plus strand (C>T on the coding strand, the complement: FLNA is on the minus strand). VCF-style: chrX-154353102-G-A. GRCh37 (hg19) VCF-style: chrX-153581470-G-A.
Other names: c.6101C>T (NM_001456.3); c.6101C>T, p.Ser2034Leu (NM_001456.4); short protein forms S2034L, S2042L.
Identifiers: ClinVar variation 1385874 (VCV001385874.9), dbSNP rs782666380, ClinGen allele CA10560159.
Genomic context (GRCh38, chrX:154,353,102, plus strand): 5'-GTGTGGCCTTCGTGAAGGCCCTGACCAGAGACCCGAACACGACTGGCATCCCCAATTTCC[G>A]ACTGGCTGATCACCACCGGGATGGGGCTGCTGGCCACGTGCTGGCCATTTTTCTTCACAT-3'
Protein context (NP_001104026.1, residues 2032-2052): SSPIPVVISQ[Ser2042Leu]EIGDASRVRV